The following is an entry in ClinVar:

NM_000565.4(IL6R):c.293G>A (p.Arg98Gln)

Gene: IL6R (interleukin 6 receptor; plus strand). Cytogenetic location: 1q21.3.
Variant type: single nucleotide variant.
Coding change: c.293G>A on transcript NM_000565.4 (MANE Select); coding-DNA position 293, G replaced by A.
Protein change: p.Arg98Gln; replaces arginine 98 with glutamine.
Molecular consequence: missense variant. On other transcripts: intron variant (1).
Genome position (GRCh38, 1-based): chr1:154,429,403, G>A. VCF-style: chr1-154429403-G-A. GRCh37 (hg19) VCF-style: chr1-154401879-G-A.
Other names: c.293G>A, p.Arg98Gln (NM_001206866.2, NM_001382769.1, NM_001382770.1 and 4 more transcripts); c.126+167G>A (NM_001382774.1); c.293G>A (NM_000565.3); short protein forms R98Q.
Identifiers: ClinVar variation 1002948 (VCV001002948.6), dbSNP rs749494588, ClinGen allele CA1128958.

ClinVar aggregate classification (germline): Conflicting classifications of pathogenicity. Review status: criteria provided, conflicting classifications (1 of 4 stars). 2 submissions from 2 submitters: Uncertain significance (1); Likely benign (1). Last evaluated 2022-08-01.

Allele frequency attached by ClinVar (database versions not stated): gnomAD 0.00002 and 0.00004; gnomAD exomes 0.00004; TOPMed 0.00004.
gnomAD v4.1: 61 of 1,613,650 alleles (0.0038%); highest among the groups gnomAD compares: Non-Finnish European, 0.0039%; no homozygotes.

Submissions (2):

Labcorp Genetics (formerly Invitae), Labcorp
Classification: Uncertain significance. Last evaluated: 2022-08-01. Review status: criteria provided, single submitter. Criteria: Invitae Variant Classification Sherloc (09022015). Collection method: clinical testing. Allele origin: germline.
Comment: This sequence change replaces arginine, which is basic and polar, with glutamine, which is neutral and polar, at codon 98 of the IL6R protein (p.Arg98Gln). This variant is present in population databases (rs749494588, gnomAD 0.007%). This variant has not been reported in the literature in individuals affected with IL6R-related conditions. ClinVar contains an entry for this variant (Variation ID: 1002948). Algorithms developed to predict the effect of missense changes on protein structure and function output the following: SIFT: "Tolerated"; PolyPhen-2: "Benign"; Align-GVGD: "Class C0". The glutamine amino acid residue is found in multiple mammalian species, which suggests that this missense change does not adversely affect protein function. Algorithms developed to predict the effect of sequence changes on RNA splicing suggest that this variant may create or strengthen a splice site. In summary, the available evidence is currently insufficient to determine the role of this variant in disease. Therefore, it has been classified as a Variant of Uncertain Significance.

Ambry Genetics
Classification: Likely benign. Last evaluated: 2021-10-26. Review status: criteria provided, single submitter. Criteria: Ambry Variant Classification Scheme 2023. Collection method: clinical testing. Allele origin: germline.